The following is an entry in ClinVar:

NM_015352.2(POFUT1):c.1091G>A (p.Arg364Gln)

Gene: POFUT1 (protein O-fucosyltransferase 1; plus strand). Cytogenetic location: 20q11.21.
Variant type: single nucleotide variant.
Coding change: c.1091G>A on transcript NM_015352.2 (MANE Select); coding-DNA position 1091, G replaced by A.
Protein change: p.Arg364Gln; replaces arginine 364 with glutamine.
Molecular consequence: missense variant.
Genome position (GRCh38, 1-based): chr20:32,234,585, G>A. VCF-style: chr20-32234585-G-A. GRCh37 (hg19) VCF-style: chr20-30822388-G-A.
Other names: short protein forms R364Q.
Identifiers: ClinVar variation 2722718 (VCV002722718.3), dbSNP rs201769568, ClinGen allele CA9807473.

ClinVar aggregate classification (germline): Uncertain significance (1 of 4 stars; one submission).

Conditions:
Dowling-Degos disease 2 (DDD2). Identifiers: Orphanet 79145, MedGen C3809147, MONDO:0014130, OMIM 615327.

Allele frequency attached by ClinVar (database versions not stated): TOPMed below 0.00001; gnomAD 0.00001; gnomAD exomes 0.00001; ExAC 0.00002; 1000 Genomes Project 30x 0.00031; 1000 Genomes Project 0.00040.
gnomAD v4.1: 19 of 1,614,140 alleles (0.0012%); highest among the groups gnomAD compares: African/African-American, 0.0027%; no homozygotes.

Submission:

Labcorp Genetics (formerly Invitae), Labcorp
Classification: Uncertain significance for Dowling-Degos disease 2. Last evaluated: 2023-03-04. Review status: criteria provided, single submitter. Criteria: Invitae Variant Classification Sherloc (09022015). Collection method: clinical testing. Allele origin: germline.
Comment: In summary, the available evidence is currently insufficient to determine the role of this variant in disease. Therefore, it has been classified as a Variant of Uncertain Significance. An algorithm developed to predict the effect of missense changes on protein structure and function (PolyPhen-2) suggests that this variant is likely to be disruptive. This variant has not been reported in the literature in individuals affected with POFUT1-related conditions. This variant is present in population databases (rs201769568, gnomAD 0.02%). This sequence change replaces arginine, which is basic and polar, with glutamine, which is neutral and polar, at codon 364 of the POFUT1 protein (p.Arg364Gln).